The following is an entry in ClinVar:

NM_002047.4(GARS1):c.227A>G (p.Asp76Gly)

Gene: GARS1 (glycyl-tRNA synthetase 1; plus strand). Cytogenetic location: 7p14.3.
Variant type: single nucleotide variant.
Coding change: c.227A>G on transcript NM_002047.4 (MANE Select); coding-DNA position 227, A replaced by G.
Protein change: p.Asp76Gly; replaces aspartic acid 76 with glycine.
Molecular consequence: missense variant.
Genome position (GRCh38, 1-based): chr7:30,598,800, A>G. VCF-style: chr7-30598800-A-G. GRCh37 (hg19) VCF-style: chr7-30638416-A-G.
Other names: c.227A>G (LRG_243t1); c.65A>G, p.Asp22Gly (NM_001316772.1); short protein forms D76G, D22G.
Identifiers: ClinVar variation 242312 (VCV000242312.7), dbSNP rs780858299, ClinGen allele CA4205625.
Genomic context (GRCh38, chr7:30,598,800, plus strand): 5'-TAACATTTCTTAACTTCTGAAACCAATCCTGAATATAAATTCTCTTTCTTGGCTAGGGAG[A>G]TCTTGTGCGAAAACTCAAAGAAGATAAAGCACCCCAAGTAGACGTAGACAAAGCAGTGGC-3'
Protein context (NP_002038.2, residues 66-86): PLRLAVRQQG[Asp76Gly]LVRKLKEDKA

ClinVar aggregate classification (germline): Uncertain significance. Review status: criteria provided, multiple submitters, no conflicts (2 of 4 stars). 2 submissions from 2 submitters: Uncertain significance (2). Last evaluated 2026-01-25.

Conditions:
Charcot-Marie-Tooth disease type 2. Also called: Charcot-Marie-Tooth type 2. Identifiers: Orphanet 64746, MedGen C0270914, MONDO:0018993.

Allele frequency attached by ClinVar (database versions not stated): ExAC 0.00002; gnomAD exomes 0.00001; gnomAD 0.00001; TOPMed 0.00001.
gnomAD v4.1: 4 of 1,612,942 alleles (0.00025%); highest among the groups gnomAD compares: Admixed American, 0.0067%; no homozygotes.

Submissions (2):

Labcorp Genetics (formerly Invitae), Labcorp
Classification: Uncertain significance for Charcot-Marie-Tooth disease type 2. Last evaluated: 2026-01-25. Review status: criteria provided, single submitter. Criteria: Invitae Variant Classification Sherloc (09022015). Collection method: clinical testing. Allele origin: germline.
Comment: This sequence change replaces aspartic acid, which is acidic and polar, with glycine, which is neutral and non-polar, at codon 76 of the GARS protein (p.Asp76Gly). This variant is present in population databases (rs780858299, gnomAD 0.006%). This variant has not been reported in the literature in individuals affected with GARS-related conditions. ClinVar contains an entry for this variant (Variation ID: 242312). Invitae Evidence Modeling of protein sequence and biophysical properties (such as structural, functional, and spatial information, amino acid conservation, physicochemical variation, residue mobility, and thermodynamic stability) indicates that this missense variant is not expected to disrupt GARS protein function with a negative predictive value of 80%. In summary, the available evidence is currently insufficient to determine the role of this variant in disease. Therefore, it has been classified as a Variant of Uncertain Significance.

GeneDx
Classification: Uncertain significance. Last evaluated: 2016-03-08. Review status: criteria provided, single submitter. Criteria: GeneDx Variant Classification (06012015). Collection method: clinical testing. Allele origin: germline. Affected: yes.
Comment: The D76G variant has not been published as a pathogenic variant, nor has it been reported as a benign variant to our knowledge. It was not observed in approximately 5,900 individuals of European and African American ancestry in the NHLBI Exome Sequencing Project, indicating it is not a common benign variant in these populations. The D76G variant is a non-conservative amino acid substitution, which is likely to impact secondary protein structure as these residues differ in polarity, charge, size and/or other properties. This substitution occurs at a position that is conserved across species. However, in silico analysis is inconsistent in its predictions as to whether or not the variant is damaging to the protein structure/function. Therefore, based on the currently available information, it is unclear whether this variant is a pathogenic variant or a rare benign variant.